The following is an entry in ClinVar:

NM_000137.4(FAH):c.1063-2A>G

Gene: FAH (fumarylacetoacetate hydrolase; plus strand). Cytogenetic location: 15q25.1.
Variant type: single nucleotide variant.
Coding change: c.1063-2A>G on transcript NM_000137.4 (MANE Select); the canonical splice acceptor site of the intron before coding-DNA position 1063, A replaced by G.
Molecular consequence: splice acceptor variant.
Genome position (GRCh38, 1-based): chr15:80,181,040, A>G. VCF-style: chr15-80181040-A-G. GRCh37 (hg19) VCF-style: chr15-80473382-A-G.
Other names: c.1063-2A>G (NM_001374377.1, NM_001374380.1).
Identifiers: ClinVar variation 558219 (VCV000558219.12), dbSNP rs1555442385, ClinGen allele CA393621854.
Genomic context (GRCh38, chr15:80,181,040, plus strand): 5'-GGTCCATGCCAGAGCCAAGGCATAAATTCATGTTATTCTTTCTTCCCTTTCCTGTGATGA[A>G]GGAGCCAGAAAACTTCGGCTCCATGTTGGAACTGTCGTGGAAGGGAACGAAGCCCATAGA-3'

ClinVar aggregate classification (germline): Pathogenic. Review status: criteria provided, single submitter (1 of 4 stars). 2 submissions from 2 submitters: Pathogenic (1). 1 of the submissions does not count toward it. Last evaluated 2020-03-04.

Conditions:
Tyrosinemia type I (TYRSN1). Also called: FAH DEFICIENCY; Tyrosinemia type 1; Fumarylacetoacetase deficiency; Deficiency of fumarylacetoacetase; HEPATORENAL TYROSINEMIA. Identifiers: Orphanet 882, MedGen C0268490, MONDO:0010161, OMIM 276700. Disease mechanism: loss of function.

Submissions (3):

Labcorp Genetics (formerly Invitae), Labcorp
Classification: Pathogenic for Tyrosinemia type I. Last evaluated: 2020-03-04. Review status: criteria provided, single submitter. Criteria: Invitae Variant Classification Sherloc (09022015). Collection method: clinical testing. Allele origin: germline.
Comment: This variant is not present in population databases (ExAC no frequency). Disruption of this splice site has been observed in individual(s) with tyrosinemia type I (PMID: 23000314). ClinVar contains an entry for this variant (Variation ID: 558219). Algorithms developed to predict the effect of sequence changes on RNA splicing suggest that this variant may disrupt the consensus splice site, but this prediction has not been confirmed by published transcriptional studies. Donor and acceptor splice site variants typically lead to a loss of protein function (PMID: 16199547), and loss-of-function variants in FAH are known to be pathogenic (PMID: 9101289, 9633815). For these reasons, this variant has been classified as Pathogenic. This sequence change affects an acceptor splice site in intron 12 of the FAH gene. It is expected to disrupt RNA splicing and likely results in an absent or disrupted protein product.

Counsyl
Classification: Likely pathogenic for Tyrosinemia type I. Last evaluated: 2018-05-10. Review status: no assertion criteria provided. Collection method: clinical testing. Allele origin: unknown. Not counted in ClinVar's aggregate classification.

Dr. Peter K. Rogan Lab, Western University
No classification provided (evidence only). Condition: Familial cancer of breast. Review status: no classification provided. Collection method: in vitro. Allele origin: not applicable. Functional consequence: skipped exon, retained intron. Not counted in ClinVar's aggregate classification.

Literature cited by the submitters: PubMed 23000314 (cited by Labcorp Genetics (formerly Invitae), Labcorp); PubMed 16199547 (cited by Labcorp Genetics (formerly Invitae), Labcorp); PubMed 9101289 (cited by Labcorp Genetics (formerly Invitae), Labcorp); PubMed 9633815 (cited by Labcorp Genetics (formerly Invitae), Labcorp).